The following is an entry in ClinVar:

ClinVar aggregate classification (germline): Uncertain significance. Review status: criteria provided, multiple submitters, no conflicts (2 of 4 stars). 3 submissions from 3 submitters: Uncertain significance (2). 1 of the submissions does not count toward it. Last evaluated 2023-07-21.

Conditions:
Cardiovascular phenotype. Identifiers: MedGen CN230736.
Long QT syndrome (LQTS). Identifiers: MedGen C0023976, MeSH D008133, MONDO:0002442. Disease mechanism: loss of function. Inheritance: Various modes of inheritance.
ANK2-related disorder. Also called: ANK2-related condition.

Allele frequency attached by ClinVar (database versions not stated): TOPMed below 0.00001; ExAC 0.00001; gnomAD exomes 0.00001; gnomAD 0.00003; ESP Exome Variant Server 0.00008.
gnomAD v4.1: 7 of 1,613,670 alleles (0.00043%); highest among the groups gnomAD compares: African/African-American, 0.0027%; 1 homozygote.

Submissions (3):

Ambry Genetics
Classification: Uncertain significance for Cardiovascular phenotype. Last evaluated: 2023-07-21. Review status: criteria provided, single submitter. Criteria: Ambry Variant Classification Scheme 2023. Collection method: clinical testing. Allele origin: germline.
Comment: The p.V459I variant (also known as c.1375G>A), located in coding exon 13 of the ANK2 gene, results from a G to A substitution at nucleotide position 1375. The valine at codon 459 is replaced by isoleucine, an amino acid with highly similar properties. According to data from gnomAD, the frequency for this variant is above the maximum credible frequency for a cardiac disease-causing variant in this gene based on internally established thresholds (Karczewski et al. Nature. 2020 May;581(7809):434-443; Whiffin et al. Genet Med. 2017 10;19:1151-1158). This amino acid position is well conserved in available vertebrate species. In addition, this alteration is predicted to be tolerated by in silico analysis. Based on the supporting evidence, the association of this alteration with ANK2-related neurodevelopmental disorder is unknown; however, the association with ANK2-related arrhythmia is unlikely.

Labcorp Genetics (formerly Invitae), Labcorp
Classification: Uncertain significance for Long QT syndrome. Last evaluated: 2022-10-29. Review status: criteria provided, single submitter. Criteria: Invitae Variant Classification Sherloc (09022015). Collection method: clinical testing. Allele origin: germline.
Comment: In summary, the available evidence is currently insufficient to determine the role of this variant in disease. Therefore, it has been classified as a Variant of Uncertain Significance. Algorithms developed to predict the effect of missense changes on protein structure and function (SIFT, PolyPhen-2, Align-GVGD) all suggest that this variant is likely to be tolerated. This variant has not been reported in the literature in individuals affected with ANK2-related conditions. This variant is present in population databases (rs375167175, gnomAD 0.0009%). This sequence change replaces valine, which is neutral and non-polar, with isoleucine, which is neutral and non-polar, at codon 459 of the ANK2 protein (p.Val459Ile).

PreventionGenetics, part of Exact Sciences
Classification: Uncertain significance for ANK2-related condition. Last evaluated: 2023-11-13. Review status: no assertion criteria provided. Collection method: clinical testing. Allele origin: germline. Not counted in ClinVar's aggregate classification.
Comment: The ANK2 c.1375G>A variant is predicted to result in the amino acid substitution p.Val459Ile. To our knowledge, this variant has not been reported in the literature. This variant is reported in 0.0018% of alleles in individuals of European (Non-Finnish) descent in gnomAD. At this time, the clinical significance of this variant is uncertain due to the absence of conclusive functional and genetic evidence.

NM_001148.6(ANK2):c.1375G>A (p.Val459Ile)

Gene: ANK2 (ankyrin 2; plus strand). Cytogenetic location: 4q26.
Variant type: single nucleotide variant.
Coding change: c.1375G>A on transcript NM_001148.6 (MANE Select); coding-DNA position 1375, G replaced by A.
Protein change: p.Val459Ile; replaces valine 459 with isoleucine.
Molecular consequence: missense variant. On other transcripts: intron variant (5).
Genome position (GRCh38, 1-based): chr4:113,258,400, G>A. VCF-style: chr4-113258400-G-A. GRCh37 (hg19) VCF-style: chr4-114179556-G-A.
Other names: c.1312G>A, p.Val438Ile (NM_001127493.3, NM_001354252.2, NM_001354253.2 and 14 more transcripts); c.1375G>A, p.Val459Ile (NM_001354225.2, NM_001354228.2, NM_001354232.2 and 8 more transcripts); c.1420G>A, p.Val474Ile (NM_001354230.2, NM_001354231.2, NM_001386144.1 and 5 more transcripts); c.1288G>A, p.Val430Ile (NM_001354249.2, NM_001354274.2, NM_001354276.2 and 13 more transcripts); c.1333G>A, p.Val445Ile (NM_001386147.1, NM_001354261.2, NM_001386160.1); c.1426G>A, p.Val476Ile (NM_001386174.1); c.1402G>A, p.Val468Ile (NM_001386175.1); c.1363G>A, p.Val455Ile (NM_001386186.2, NM_001386148.2); and 4 more; short protein forms V445I, V455I, V468I, V430I, V438I, V447I, V459I, V474I.
Identifiers: ClinVar variation 1771140 (VCV001771140.8), dbSNP rs375167175, ClinGen allele CA3050269.